The following is an entry in ClinVar:

ClinVar aggregate classification (germline): Uncertain significance (1 of 4 stars; one submission).

Conditions:
Propionic acidemia (PROP). Also called: GLYCINEMIA, KETOTIC; HYPERGLYCINEMIA WITH KETOACIDOSIS AND LEUKOPENIA; KETOTIC HYPERGLYCINEMIA. Identifiers: Orphanet 35, MedGen C0268579, MONDO:0011628, OMIM 606054, HP:0003571.

Allele frequency attached by ClinVar (database versions not stated): ExAC 0.00001; gnomAD 0.00001; 1000 Genomes Project 30x 0.00016; 1000 Genomes Project 0.00020.
gnomAD v4.1: 1 of 1,614,052 alleles (0.000062%); highest among the groups gnomAD compares: East Asian, 0.0022%; no homozygotes.

Submission:

Labcorp Genetics (formerly Invitae), Labcorp
Classification: Uncertain significance for Propionic acidemia. Last evaluated: 2022-08-21. Review status: criteria provided, single submitter. Criteria: Invitae Variant Classification Sherloc (09022015). Collection method: clinical testing. Allele origin: germline.
Comment: This sequence change replaces methionine, which is neutral and non-polar, with leucine, which is neutral and non-polar, at codon 347 of the PCCB protein (p.Met347Leu). This variant is present in population databases (rs528745130, gnomAD 0.006%). This variant has not been reported in the literature in individuals affected with PCCB-related conditions. Advanced modeling of protein sequence and biophysical properties (such as structural, functional, and spatial information, amino acid conservation, physicochemical variation, residue mobility, and thermodynamic stability) performed at Invitae indicates that this missense variant is not expected to disrupt PCCB protein function. In summary, the available evidence is currently insufficient to determine the role of this variant in disease. Therefore, it has been classified as a Variant of Uncertain Significance.

NM_000532.5(PCCB):c.1039A>T (p.Met347Leu)

Gene: PCCB (propionyl-CoA carboxylase subunit beta; plus strand). Cytogenetic location: 3q22.3.
Variant type: single nucleotide variant.
Coding change: c.1039A>T on transcript NM_000532.5 (MANE Select); coding-DNA position 1039, A replaced by T.
Protein change: p.Met347Leu; replaces methionine 347 with leucine.
Molecular consequence: missense variant.
Genome position (GRCh38, 1-based): chr3:136,317,013, A>T. VCF-style: chr3-136317013-A-T. GRCh37 (hg19) VCF-style: chr3-136035855-A-T.
Other names: c.1099A>T, p.Met367Leu (NM_001178014.2); short protein forms M347L, M367L.
Identifiers: ClinVar variation 2164183 (VCV002164183.1), dbSNP rs528745130, ClinGen allele CA2631992.